The following is an entry in ClinVar:

ClinVar aggregate classification (germline): Uncertain significance (1 of 4 stars; one submission).

Allele frequency attached by ClinVar (database versions not stated): gnomAD 0.00001; TOPMed 0.00001.
gnomAD v4.1: 6 of 1,614,090 alleles (0.00037%); highest among the groups gnomAD compares: Middle Eastern, 0.016%; no homozygotes.

Submission:

Labcorp Genetics (formerly Invitae), Labcorp
Classification: Uncertain significance. Last evaluated: 2025-12-24. Review status: criteria provided, single submitter. Criteria: Invitae Variant Classification Sherloc (09022015). Collection method: clinical testing. Allele origin: germline.
Comment: This sequence change replaces serine, which is neutral and polar, with leucine, which is neutral and non-polar, at codon 471 of the OTOA protein (p.Ser471Leu). This variant is not present in population databases (gnomAD no frequency). This variant has not been reported in the literature in individuals affected with OTOA-related conditions. ClinVar contains an entry for this variant (Variation ID: 2413613). An algorithm developed to predict the effect of missense changes on protein structure and function outputs the following: PolyPhen-2: "Benign". The leucine amino acid residue is found in multiple mammalian species, which suggests that this missense change does not adversely affect protein function. In summary, the available evidence is currently insufficient to determine the role of this variant in disease. Therefore, it has been classified as a Variant of Uncertain Significance.

NM_144672.4(OTOA):c.1412C>T (p.Ser471Leu)

Gene: OTOA (otoancorin). Cytogenetic location: 16p12.2.
Variant type: single nucleotide variant.
Coding change: c.1412C>T on transcript NM_144672.4 (MANE Select); coding-DNA position 1412, C replaced by T.
Protein change: p.Ser471Leu; replaces serine 471 with leucine.
Molecular consequence: missense variant.
Genome position (GRCh38, 1-based): chr16:21,715,076, C>T. VCF-style: chr16-21715076-C-T. GRCh37 (hg19) VCF-style: chr16-21726397-C-T.
Other names: c.1175C>T, p.Ser392Leu (NM_001161683.2); c.440C>T, p.Ser147Leu (NM_170664.3); short protein forms S147L, S392L, S471L.
Identifiers: ClinVar variation 2413613 (VCV002413613.4), dbSNP rs919283549, ClinGen allele CA279404890.